The following is an entry in ClinVar:

NM_002335.4(LRP5):c.1870C>A (p.Arg624=)

Gene: LRP5 (LDL receptor related protein 5; plus strand). Cytogenetic location: 11q13.2.
Variant type: single nucleotide variant.
Coding change: c.1870C>A on transcript NM_002335.4 (MANE Select); coding-DNA position 1870, C replaced by A.
Protein change: p.Arg624=; no amino-acid change (arginine 624 retained).
Molecular consequence: synonymous variant.
Genome position (GRCh38, 1-based): chr11:68,406,592, C>A. VCF-style: chr11-68406592-C-A. GRCh37 (hg19) VCF-style: chr11-68174060-C-A.
Other names: c.127C>A, p.Arg43= (NM_001291902.2).
Identifiers: ClinVar variation 2821247 (VCV002821247.3), dbSNP rs989864153, ClinGen allele CA475516272.
Genomic context (GRCh38, chr11:68,406,592, plus strand): 5'-CCGTGTGCGGACAGGAACGGGGGGTGCAGCCACCTGTGCTTCTTCACACCCCACGCAACC[C>A]GGTGTGGCTGCCCCATCGGCCTGGAGCTGCTGAGTGACATGAAGACCTGCATCGTGCCTG-3'
Protein context (NP_002326.2, residues 614-634): HLCFFTPHAT[Arg624=]CGCPIGLELL

ClinVar aggregate classification (germline): Uncertain significance (1 of 4 stars; one submission).

gnomAD v4.1: 2 of 1,614,056 alleles (0.00012%); highest among the groups gnomAD compares: Non-Finnish European, 0.00017%; no homozygotes.

Submission:

Labcorp Genetics (formerly Invitae), Labcorp
Classification: Uncertain significance. Last evaluated: 2023-08-28. Review status: criteria provided, single submitter. Criteria: Invitae Variant Classification Sherloc (09022015). Collection method: clinical testing. Allele origin: germline.
Comment: In summary, the available evidence is currently insufficient to determine the role of this variant in disease. Therefore, it has been classified as a Variant of Uncertain Significance. This sequence change affects codon 624 of the LRP5 mRNA. It is a 'silent' change, meaning that it does not change the encoded amino acid sequence of the LRP5 protein. This variant is not present in population databases (gnomAD no frequency). This variant has not been reported in the literature in individuals affected with LRP5-related conditions. Algorithms developed to predict the effect of sequence changes on RNA splicing suggest that this variant may create or strengthen a splice site.